The following is an entry in ClinVar:

ClinVar aggregate classification (germline): Pathogenic (1 of 4 stars; one submission).

Submission:

Labcorp Genetics (formerly Invitae), Labcorp
Classification: Pathogenic. Last evaluated: 2024-02-23. Review status: criteria provided, single submitter. Criteria: Invitae Variant Classification Sherloc (09022015). Collection method: clinical testing. Allele origin: germline.
Comment: This sequence change creates a premature translational stop signal (p.Trp269*) in the PNLIP gene. It is expected to result in an absent or disrupted protein product. Loss-of-function variants in PNLIP are known to be pathogenic (PMID: 31977950, 35284057). This variant is not present in population databases (gnomAD no frequency). This variant has not been reported in the literature in individuals affected with PNLIP-related conditions. For these reasons, this variant has been classified as Pathogenic.

Literature cited by the submitters: PubMed 31977950; PubMed 35284057.

NM_000936.4(PNLIP):c.807G>A (p.Trp269Ter)

Gene: PNLIP (pancreatic lipase; plus strand). Cytogenetic location: 10q25.3.
Variant type: single nucleotide variant.
Coding change: c.807G>A on transcript NM_000936.4 (MANE Select); coding-DNA position 807, G replaced by A.
Protein change: p.Trp269Ter; replaces tryptophan 269 with a stop codon.
Molecular consequence: nonsense.
Genome position (GRCh38, 1-based): chr10:116,555,503, G>A. VCF-style: chr10-116555503-G-A. GRCh37 (hg19) VCF-style: chr10-118315015-G-A.
Other names: short protein forms W269*.
Identifiers: ClinVar variation 3642974 (VCV003642974.2).